The following is an entry in ClinVar:

NM_000512.5(GALNS):c.851T>G (p.Phe284Cys)

Gene: GALNS (galactosamine (N-acetyl)-6-sulfatase; minus strand). Cytogenetic location: 16q24.3.
Variant type: single nucleotide variant.
Coding change: c.851T>G on transcript NM_000512.5 (MANE Select); coding-DNA position 851, T replaced by G.
Protein change: p.Phe284Cys; replaces phenylalanine 284 with cysteine.
Molecular consequence: missense variant.
Genome position (GRCh38, 1-based): chr16:88,835,260, A>C on the plus strand (T>G on the coding strand, the complement: GALNS is on the minus strand). VCF-style: chr16-88835260-A-C. GRCh37 (hg19) VCF-style: chr16-88901668-A-C.
Other names: c.296T>G, p.Phe99Cys (NM_001323543.2); c.869T>G, p.Phe290Cys (NM_001323544.2); short protein forms F284C, F290C, F99C.
Identifiers: ClinVar variation 2840507 (VCV002840507.3), dbSNP rs1163264200, ClinGen allele CA397076115.
Genomic context (GRCh38, chr16:88,835,260, plus strand): 5'-AGCGAGCACTCACCTTGTTCGGGGGCGGAAATGAGGGCAGCGCCGTTGTCCGACGTGAAG[A>C]AGACGAAGGTGTTGTCCGCGACGTGCAGGTCTTGGAGGAGCTCCAGTATCTTCCCAATGC-3'
Protein context (NP_000503.1, residues 274-294): DLHVADNTFV[Phe284Cys]FTSDNGAALI

ClinVar aggregate classification (germline): Likely pathogenic (1 of 4 stars; one submission).

Conditions:
Mucopolysaccharidosis, MPS-IV-A (MPS4A). Also called: Morquio syndrome A, mild; MORQUIO SYNDROME A; GALACTOSAMINE-6-SULFATASE DEFICIENCY; GALNS DEFICIENCY; MORQUIO A DISEASE; Mucopolysaccharidosis type IV A. Identifiers: Orphanet 309297, Orphanet 582, MedGen C0086651, MONDO:0009659, OMIM 253000.

Submission:

Labcorp Genetics (formerly Invitae), Labcorp
Classification: Likely pathogenic for Mucopolysaccharidosis, MPS-IV-A. Last evaluated: 2023-02-24. Review status: criteria provided, single submitter. Criteria: Invitae Variant Classification Sherloc (09022015). Collection method: clinical testing. Allele origin: germline.
Comment: In summary, the currently available evidence indicates that the variant is pathogenic, but additional data are needed to prove that conclusively. Therefore, this variant has been classified as Likely Pathogenic. This variant disrupts the p.Phe284 amino acid residue in GALNS. Other variant(s) that disrupt this residue have been determined to be pathogenic (PMID: 23876334, 24726177, 30980944). This suggests that this residue is clinically significant, and that variants that disrupt this residue are likely to be disease-causing. Advanced modeling of protein sequence and biophysical properties (such as structural, functional, and spatial information, amino acid conservation, physicochemical variation, residue mobility, and thermodynamic stability) performed at Invitae indicates that this missense variant is expected to disrupt GALNS protein function. This variant has not been reported in the literature in individuals affected with GALNS-related conditions. This variant is not present in population databases (gnomAD no frequency). This sequence change replaces phenylalanine, which is neutral and non-polar, with cysteine, which is neutral and slightly polar, at codon 284 of the GALNS protein (p.Phe284Cys).

Literature cited by the submitters: PubMed 23876334; PubMed 24726177; PubMed 30980944.